The following is an entry in ClinVar:

ClinVar aggregate classification (germline): Uncertain significance (1 of 4 stars; one submission).

Submission:

Labcorp Genetics (formerly Invitae), Labcorp
Classification: Uncertain significance. Last evaluated: 2025-12-16. Review status: criteria provided, single submitter. Criteria: Invitae Variant Classification Sherloc (09022015). Collection method: clinical testing. Allele origin: germline.
Comment: This sequence change replaces alanine, which is neutral and non-polar, with valine, which is neutral and non-polar, at codon 320 of the MNX1 protein (p.Ala320Val). This variant is present in population databases (no rsID available, gnomAD 0.003%). This variant has not been reported in the literature in individuals affected with MNX1-related conditions. Invitae Evidence Modeling of protein sequence and biophysical properties (such as structural, functional, and spatial information, amino acid conservation, physicochemical variation, residue mobility, and thermodynamic stability) indicates that this missense variant is not expected to disrupt MNX1 protein function with a negative predictive value of 80%. In summary, the available evidence is currently insufficient to determine the role of this variant in disease. Therefore, it has been classified as a Variant of Uncertain Significance.

NM_005515.4(MNX1):c.959C>T (p.Ala320Val)

Gene: MNX1 (motor neuron and pancreas homeobox 1; minus strand). Cytogenetic location: 7q36.3.
Variant type: single nucleotide variant.
Coding change: c.959C>T on transcript NM_005515.4 (MANE Select); coding-DNA position 959, C replaced by T.
Protein change: p.Ala320Val; replaces alanine 320 with valine.
Molecular consequence: missense variant.
Genome position (GRCh38, 1-based): chr7:157,005,767, G>A on the plus strand (C>T on the coding strand, the complement: MNX1 is on the minus strand). VCF-style: chr7-157005767-G-A. GRCh37 (hg19) VCF-style: chr7-156798461-G-A.
Other names: c.323C>T, p.Ala108Val (NM_001165255.2); short protein forms A108V, A320V.
Identifiers: ClinVar variation 4803590 (VCV004803590.1).